The following is an entry in ClinVar:

ClinVar aggregate classification (germline): Uncertain significance (1 of 4 stars; one submission).

Conditions:
Ehlers-Danlos syndrome, classic type, 1 (EDSCL1). Also called: EHLERS-DANLOS SYNDROME, GRAVIS TYPE; EHLERS-DANLOS SYNDROME, SEVERE CLASSIC TYPE; Ehlers-Danlos syndrome, type 1; Ehlers-Danlos Syndrome, Classic Type, COL5A1-Related; EDS I. Identifiers: MedGen C0268335, MONDO:0019567, OMIM 130000.

gnomAD v4.1: 1 of 1,583,930 alleles (0.000063%); highest among the groups gnomAD compares: Admixed American, 0.0018%; no homozygotes.

Submission:

Labcorp Genetics (formerly Invitae), Labcorp
Classification: Uncertain significance for Ehlers-Danlos syndrome, classic type, 1. Last evaluated: 2024-05-02. Review status: criteria provided, single submitter. Criteria: Invitae Variant Classification Sherloc (09022015). Collection method: clinical testing. Allele origin: germline.
Comment: This sequence change replaces proline, which is neutral and non-polar, with serine, which is neutral and polar, at codon 1278 of the COL5A1 protein (p.Pro1278Ser). This variant is not present in population databases (gnomAD no frequency). This variant has not been reported in the literature in individuals affected with COL5A1-related conditions. Advanced modeling of protein sequence and biophysical properties (such as structural, functional, and spatial information, amino acid conservation, physicochemical variation, residue mobility, and thermodynamic stability) performed at Invitae indicates that this missense variant is not expected to disrupt COL5A1 protein function with a negative predictive value of 95%. In summary, the available evidence is currently insufficient to determine the role of this variant in disease. Therefore, it has been classified as a Variant of Uncertain Significance.

NM_000093.5(COL5A1):c.3832C>T (p.Pro1278Ser)

Gene: COL5A1 (collagen type V alpha 1 chain; plus strand). Cytogenetic location: 9q34.3.
Variant type: single nucleotide variant.
Coding change: c.3832C>T on transcript NM_000093.5 (MANE Select); coding-DNA position 3832, C replaced by T.
Protein change: p.Pro1278Ser; replaces proline 1278 with serine.
Molecular consequence: missense variant.
Genome position (GRCh38, 1-based): chr9:134,812,692, C>T. VCF-style: chr9-134812692-C-T. GRCh37 (hg19) VCF-style: chr9-137704538-C-T.
Other names: c.3832C>T, p.Pro1278Ser (NM_001278074.1); short protein forms P1278S.
Identifiers: ClinVar variation 3680956 (VCV003680956.2).